The following is an entry in ClinVar:

NM_032242.4(PLXNA1):c.3793A>T (p.Ile1265Phe)

Gene: PLXNA1 (plexin A1; plus strand). Cytogenetic location: 3q21.3.
Variant type: single nucleotide variant.
Coding change: c.3793A>T on transcript NM_032242.4 (MANE Select); coding-DNA position 3793, A replaced by T.
Protein change: p.Ile1265Phe; replaces isoleucine 1265 with phenylalanine.
Molecular consequence: missense variant.
Genome position (GRCh38, 1-based): chr3:127,018,426, A>T. VCF-style: chr3-127018426-A-T. GRCh37 (hg19) VCF-style: chr3-126737269-A-T.
Other names: short protein forms I1265F.
Identifiers: ClinVar variation 3346451 (VCV003346451.1).
Genomic context (GRCh38, chr3:127,018,426, plus strand): 5'-GCCATTGTGGGCATTGGCGGAGGCGGGGGTCTCCTGCTGCTGGTCATCGTGGCTGTGCTC[A>T]TCGCCTACAAGCGCAAGTCACGAGATGCTGACCGCACACTCAAGCGGCTGCAGCTCCAGA-3'
Protein context (NP_115618.3, residues 1255-1275): LLLLVIVAVL[Ile1265Phe]AYKRKSRDAD

ClinVar aggregate classification (germline): Uncertain significance (0 of 4 stars; one submission).

Conditions:
PLXNA1-related disorder. Also called: PLXNA1-related condition.

gnomAD v4.1: 2 of 1,613,028 alleles (0.00012%); highest among the groups gnomAD compares: Non-Finnish European, 0.00017%; no homozygotes.

Submission:

PreventionGenetics, part of Exact Sciences
Classification: Uncertain significance for PLXNA1-related condition. Last evaluated: 2024-05-03. Review status: no assertion criteria provided. Collection method: clinical testing. Allele origin: germline.
Comment: The PLXNA1 c.3793A>T variant is predicted to result in the amino acid substitution p.Ile1265Phe. To our knowledge, this variant has not been reported in the literature. This variant is reported in 0.0018% of alleles in individuals of European (Non-Finnish) descent in gnomAD. At this time, the clinical significance of this variant is uncertain due to the absence of conclusive functional and genetic evidence.